The following is an entry in ClinVar:

ClinVar aggregate classification (germline): Uncertain significance (1 of 4 stars; one submission).

Conditions:
Bardet-Biedl syndrome 16 (BBS16). Identifiers: Orphanet 110, MedGen C3889474, MONDO:0014444, OMIM 615993.
Senior-Loken syndrome 7 (SLSN7). Identifiers: Orphanet 3156, MedGen C3150877, MONDO:0013326, OMIM 613615.

gnomAD v4.1: 1 of 1,613,386 alleles (0.000062%); highest among the groups gnomAD compares: Non-Finnish European, 0.000085%; no homozygotes.

Submission:

Labcorp Genetics (formerly Invitae), Labcorp
Classification: Uncertain significance for Bardet-Biedl syndrome 16; Senior-Loken syndrome 7. Last evaluated: 2022-08-09. Review status: criteria provided, single submitter. Criteria: Invitae Variant Classification Sherloc (09022015). Collection method: clinical testing. Allele origin: germline.
Comment: Algorithms developed to predict the effect of missense changes on protein structure and function are either unavailable or do not agree on the potential impact of this missense change (SIFT: "Tolerated"; PolyPhen-2: "Probably Damaging"; Align-GVGD: "Class C0"). In summary, the available evidence is currently insufficient to determine the role of this variant in disease. Therefore, it has been classified as a Variant of Uncertain Significance. This variant has not been reported in the literature in individuals affected with SDCCAG8-related conditions. This sequence change replaces asparagine, which is neutral and polar, with tyrosine, which is neutral and polar, at codon 685 of the SDCCAG8 protein (p.Asn685Tyr). This variant is not present in population databases (gnomAD no frequency). ClinVar contains an entry for this variant (Variation ID: 1379090).

NM_006642.5(SDCCAG8):c.2053A>T (p.Asn685Tyr)

Genes: AKT3 (AKT serine/threonine kinase 3; minus strand), SDCCAG8 (SHH signaling and ciliogenesis regulator SDCCAG8; plus strand). Cytogenetic location: 1q43.
Variant type: single nucleotide variant.
Coding change: c.2053A>T on transcript NM_006642.5 (MANE Select); coding-DNA position 2053, A replaced by T.
Protein change: p.Asn685Tyr; replaces asparagine 685 with tyrosine.
Molecular consequence: missense variant. On other transcripts: intron variant (1).
Genome position (GRCh38, 1-based): chr1:243,489,081, A>T. VCF-style: chr1-243489081-A-T. GRCh37 (hg19) VCF-style: chr1-243652383-A-T.
Other names: c.1150A>T, p.Asn384Tyr (NM_001350246.2, NM_001350247.2, NM_001350251.2); c.2149A>T, p.Asn717Tyr (NM_001350248.2); c.1759A>T, p.Asn587Tyr (NM_001350249.2); c.*7-631T>A (NM_181690.2); short protein forms N587Y, N685Y, N384Y, N717Y.
Identifiers: ClinVar variation 1379090 (VCV001379090.7), dbSNP rs2148267056, ClinGen allele CA345668103.